The following is an entry in ClinVar:

NM_004341.5(CAD):c.6518C>T (p.Thr2173Ile)

Genes: CAD (carbamoyl-phosphate synthetase 2, aspartate transcarbamylase, and dihydroorotase; plus strand), LOC126806172 (CDK7 strongly-dependent group 2 enhancer GRCh37_chr2:27465505-27466704; plus strand). Cytogenetic location: 2p23.3.
Variant type: single nucleotide variant.
Coding change: c.6518C>T on transcript NM_004341.5 (MANE Select); coding-DNA position 6518, C replaced by T.
Protein change: p.Thr2173Ile; replaces threonine 2173 with isoleucine.
Molecular consequence: missense variant.
Genome position (GRCh38, 1-based): chr2:27,243,235, C>T. VCF-style: chr2-27243235-C-T. GRCh37 (hg19) VCF-style: chr2-27466103-C-T.
Other names: c.6329C>T, p.Thr2110Ile (NM_001306079.2); short protein forms T2110I, T2173I.
Identifiers: ClinVar variation 1470321 (VCV001470321.8), dbSNP rs2148101604, ClinGen allele CA346225247.

ClinVar aggregate classification (germline): Uncertain significance (1 of 4 stars; one submission).

Submission:

Labcorp Genetics (formerly Invitae), Labcorp
Classification: Uncertain significance. Last evaluated: 2024-05-15. Review status: criteria provided, single submitter. Criteria: Invitae Variant Classification Sherloc (09022015). Collection method: clinical testing. Allele origin: germline.
Comment: This sequence change replaces threonine, which is neutral and polar, with isoleucine, which is neutral and non-polar, at codon 2173 of the CAD protein (p.Thr2173Ile). This variant is not present in population databases (gnomAD no frequency). This variant has not been reported in the literature in individuals affected with CAD-related conditions. ClinVar contains an entry for this variant (Variation ID: 1470321). An algorithm developed to predict the effect of missense changes on protein structure and function (PolyPhen-2) suggests that this variant is likely to be tolerated. In summary, the available evidence is currently insufficient to determine the role of this variant in disease. Therefore, it has been classified as a Variant of Uncertain Significance.